The following is an entry in ClinVar:

ClinVar aggregate classification (germline): Uncertain significance (1 of 4 stars; one submission).

gnomAD v4.1: 10 of 1,538,974 alleles (0.00065%); highest among the groups gnomAD compares: Non-Finnish European, 0.00087%; no homozygotes.

Submission:

Labcorp Genetics (formerly Invitae), Labcorp
Classification: Uncertain significance. Last evaluated: 2024-04-29. Review status: criteria provided, single submitter. Criteria: Invitae Variant Classification Sherloc (09022015). Collection method: clinical testing. Allele origin: germline.
Comment: This sequence change replaces aspartic acid, which is acidic and polar, with alanine, which is neutral and non-polar, at codon 423 of the RIMS1 protein (p.Asp423Ala). This variant is not present in population databases (gnomAD no frequency). This variant has not been reported in the literature in individuals affected with RIMS1-related conditions. Algorithms developed to predict the effect of missense changes on protein structure and function output the following: SIFT: "Not Available"; PolyPhen-2: "Benign"; Align-GVGD: "Not Available". The alanine amino acid residue is found in multiple mammalian species, which suggests that this missense change does not adversely affect protein function. In summary, the available evidence is currently insufficient to determine the role of this variant in disease. Therefore, it has been classified as a Variant of Uncertain Significance.

NM_014989.7(RIMS1):c.1268A>C (p.Asp423Ala)

Gene: RIMS1 (regulating synaptic membrane exocytosis 1; plus strand). Cytogenetic location: 6q13.
Variant type: single nucleotide variant.
Coding change: c.1268A>C on transcript NM_014989.7 (MANE Select); coding-DNA position 1268, A replaced by C.
Protein change: p.Asp423Ala; replaces aspartic acid 423 with alanine.
Molecular consequence: missense variant.
Genome position (GRCh38, 1-based): chr6:72,182,739, A>C. VCF-style: chr6-72182739-A-C. GRCh37 (hg19) VCF-style: chr6-72892442-A-C.
Other names: short protein forms D423A.
Identifiers: ClinVar variation 3673660 (VCV003673660.2).
Genomic context (GRCh38, chr6:72,182,739, plus strand): 5'-CGCTGCCGGAGGGCAAGGCCGGCAAACGCGCGCCGGCGGCAGCCAGGGCCTCGCCGCCGG[A>C]CTCGCCGCGGGCTTACTCGGCTGAGAGAACTGCGGAGACCAGGGCGCCGGGCGCCAAGCA-3'
Protein context (NP_055804.2, residues 413-433): APAAARASPP[Asp423Ala]SPRAYSAERT